The following is an entry in ClinVar:

NM_031443.4(CCM2):c.338T>C (p.Leu113Pro)

Gene: CCM2 (CCM2 scaffold protein; plus strand). Cytogenetic location: 7p13.
Variant type: single nucleotide variant.
Coding change: c.338T>C on transcript NM_031443.4 (MANE Select); coding-DNA position 338, T replaced by C.
Protein change: p.Leu113Pro; replaces leucine 113 with proline.
Molecular consequence: missense variant. On other transcripts: non-coding transcript variant (1).
Genome position (GRCh38, 1-based): chr7:45,064,512, T>C. VCF-style: chr7-45064512-T-C. GRCh37 (hg19) VCF-style: chr7-45104111-T-C.
Other names: c.401T>C, p.Leu134Pro (NM_001029835.2); c.164T>C, p.Leu55Pro (NM_001167934.2, NM_001363459.2); c.338T>C, p.Leu113Pro (NM_001167935.2, NM_001363458.2); short protein forms L113P, L134P, L55P.
Identifiers: ClinVar variation 2574653 (VCV002574653.2), dbSNP rs2486112288, ClinGen allele CA367429905.

ClinVar aggregate classification (germline): Pathogenic. Review status: criteria provided, single submitter (1 of 4 stars). 2 submissions from 2 submitters: Pathogenic (1). 1 of the submissions does not count toward it. Last evaluated 2023-07-11.

Conditions:
Cerebral cavernous malformation 2. Also called: Familial Cerebral Cavernous Malformation 2. Identifiers: Orphanet 221061, MedGen C1864041, MONDO:0011304, OMIM 603284.

Submissions (2):

GeneDx
Classification: Pathogenic. Last evaluated: 2023-07-11. Review status: criteria provided, single submitter. Criteria: GeneDx Variant Classification Process June 2021. Collection method: clinical testing. Allele origin: germline. Affected: yes.
Comment: Published functional studies demonstrate a damaging effect on the interaction between CCM1 and CCM2 proteins, reducing the stability of the ternary CCM complex (Bergametti et al., 2020); Not observed at significant frequency in large population cohorts (gnomAD); In silico analysis supports that this missense variant has a deleterious effect on protein structure/function; This variant is associated with the following publications: (PMID: 35128084, 25525273, 23595507, 31937560)

OMIM
Classification: Pathogenic for CEREBRAL CAVERNOUS MALFORMATIONS 2. Last evaluated: 2023-08-04. Review status: no assertion criteria provided. Collection method: literature only. Allele origin: germline. Not counted in ClinVar's aggregate classification.

Literature cited by the submitters: PubMed 31937560 (cited by OMIM).